The following is an entry in ClinVar:

NM_000138.5(FBN1):c.3472G>T (p.Glu1158Ter)

Gene: FBN1 (fibrillin 1; minus strand). Cytogenetic location: 15q21.1.
Variant type: single nucleotide variant.
Coding change: c.3472G>T on transcript NM_000138.5 (MANE Select); coding-DNA position 3472, G replaced by T.
Protein change: p.Glu1158Ter; replaces glutamic acid 1158 with a stop codon.
Molecular consequence: nonsense.
Genome position (GRCh38, 1-based): chr15:48,487,192, C>A on the plus strand (G>T on the coding strand, the complement: FBN1 is on the minus strand). VCF-style: chr15-48487192-C-A. GRCh37 (hg19) VCF-style: chr15-48779389-C-A.
Other names: c.3472G>T, p.Glu1158Ter (NM_001406716.1); short protein forms E1158*.
Identifiers: ClinVar variation 4784830 (VCV004784830.1).

ClinVar aggregate classification (germline): Pathogenic (1 of 4 stars; one submission).

Conditions:
Marfan syndrome (MFS). Also called: FBN1-Related Marfan Syndrome; MARFAN SYNDROME, TYPE I; Marfan syndrome type 1; Marfan's syndrome; Marfan syndrome, classic. Identifiers: Orphanet 284963, Orphanet 558, MedGen C0024796, MONDO:0007947, OMIM 154700.
Familial thoracic aortic aneurysm and aortic dissection (TAAD). Also called: Thoracic aortic aneurysms and dissections. Identifiers: Orphanet 91387, MedGen C4707243, MONDO:0019625.

Submission:

Labcorp Genetics (formerly Invitae), Labcorp
Classification: Pathogenic for Marfan syndrome; Familial thoracic aortic aneurysm and aortic dissection. Last evaluated: 2025-04-24. Review status: criteria provided, single submitter. Criteria: Invitae Variant Classification Sherloc (09022015). Collection method: clinical testing. Allele origin: germline.
Comment: This sequence change creates a premature translational stop signal (p.Glu1158*) in the FBN1 gene. It is expected to result in an absent or disrupted protein product. Loss-of-function variants in FBN1 are known to be pathogenic (PMID: 17657824, 19293843). This variant is not present in population databases (gnomAD no frequency). This premature translational stop signal has been observed in individual(s) with Marfan syndrome (PMID: 28941062). For these reasons, this variant has been classified as Pathogenic.

Literature cited by the submitters: PubMed 17657824; PubMed 19293843; PubMed 28941062.